The following is an entry in ClinVar:

ClinVar aggregate classification (germline): Uncertain significance (1 of 4 stars; one submission).

Submission:

Ambry Genetics
Classification: Uncertain significance. Last evaluated: 2024-09-01. Review status: criteria provided, single submitter. Criteria: Ambry Variant Classification Scheme 2023. Collection method: clinical testing. Allele origin: germline.
Comment: The p.A74V variant (also known as c.221C>T), located in coding exon 2 of the IDH1 gene, results from a C to T substitution at nucleotide position 221. The alanine at codon 74 is replaced by valine, an amino acid with similar properties. This amino acid position is conserved. In addition, this alteration is predicted to be deleterious by in silico analysis. Based on the available evidence, the clinical significance of this variant remains unclear.

NM_005896.4(IDH1):c.221C>T (p.Ala74Val)

Gene: IDH1 (isocitrate dehydrogenase (NADP(+)) 1; minus strand). Cytogenetic location: 2q34.
Variant type: single nucleotide variant.
Coding change: c.221C>T on transcript NM_005896.4 (MANE Select); coding-DNA position 221, C replaced by T.
Protein change: p.Ala74Val; replaces alanine 74 with valine.
Molecular consequence: missense variant.
Genome position (GRCh38, 1-based): chr2:208,248,562, G>A on the plus strand (C>T on the coding strand, the complement: IDH1 is on the minus strand). VCF-style: chr2-208248562-G-A. GRCh37 (hg19) VCF-style: chr2-209113286-G-A.
Other names: c.221C>T, p.Ala74Val (NM_001282386.1, NM_001282387.1); short protein forms A74V.
Identifiers: ClinVar variation 3527495 (VCV003527495.1).